The following is an entry in ClinVar:

ClinVar aggregate classification (germline): Likely pathogenic (1 of 4 stars; one submission).

Conditions:
Long QT syndrome 1 (LQT1). Identifiers: Orphanet 101016, Orphanet 768, MedGen C4551647, MONDO:0100316, OMIM 192500, MONDO:0008646.

Submission:

Clinical Genetics Laboratory, Region Ostergotland
Classification: Likely pathogenic for Long QT syndrome 1. Last evaluated: 2023-04-27. Review status: criteria provided, single submitter. Criteria: ACMG Guidelines, 2015. Collection method: clinical testing. Allele origin: germline. Affected: yes.
Comment: PMID:25741868 (PVS1, PM2)

NM_000218.3(KCNQ1):c.248del (p.Pro83fs)

Gene: KCNQ1 (potassium voltage-gated channel subfamily Q member 1; plus strand). Cytogenetic location: 11p15.5.
Variant type: Deletion.
Coding change: c.248del on transcript NM_000218.3 (MANE Select); coding-DNA position 248, one base deleted (C; older notation c.248delC).
Protein change: p.Pro83fs; shifts the reading frame from proline 83.
Molecular consequence: frameshift variant. On other transcripts: 5 prime UTR variant (1).
Genome position (GRCh38, 1-based): chr11:2,445,346, C deleted; the last of 2 consecutive C bases (chr11:2,445,345-2,445,346); deleting either gives the same sequence. VCF-style (leftmost placement, unchanged base first): chr11-2445344-GC-G. GRCh37 (hg19) VCF-style: chr11-2466574-GC-G.
Other names: c.248del, p.Pro83fs (NM_001406836.1, NM_001406838.1); c.-115del (NM_001406837.1); short protein forms P83fs.
Identifiers: ClinVar variation 2502315 (VCV002502315.1), dbSNP rs2496742355, ClinGen allele CA2580615598.